The following is an entry in ClinVar:

NM_170606.3(KMT2C):c.13511C>T (p.Pro4504Leu)

Gene: KMT2C (lysine methyltransferase 2C; minus strand). Cytogenetic location: 7q36.1.
Variant type: single nucleotide variant.
Coding change: c.13511C>T on transcript NM_170606.3 (MANE Select); coding-DNA position 13511, C replaced by T.
Protein change: p.Pro4504Leu; replaces proline 4504 with leucine.
Molecular consequence: missense variant.
Genome position (GRCh38, 1-based): chr7:152,148,416, G>A on the plus strand (C>T on the coding strand, the complement: KMT2C is on the minus strand). VCF-style: chr7-152148416-G-A. GRCh37 (hg19) VCF-style: chr7-151845501-G-A.
Other names: short protein forms P4504L.
Identifiers: ClinVar variation 4885014 (VCV004885014.2).
Genomic context (GRCh38, chr7:152,148,416, plus strand): 5'-CTCCTGAAGACTGCAAAGTAACTTAATTCTTGCTCATGAATTCCCTTTGGTTTGTGCATG[G>A]GGCAAAGCATAGTTTTGTCCTTAAAAAACATGCATTGTGCTTTAATGGCGCAAGTGAAGT-3'
Protein context (NP_733751.2, residues 4494-4514): MFFKDKTMLC[Pro4504Leu]MHKPKGIHEQ

ClinVar aggregate classification (germline): Uncertain significance (1 of 4 stars; one submission).

gnomAD v4.1: 2 of 1,614,212 alleles (0.00012%); highest among the groups gnomAD compares: South Asian, 0.0022%; no homozygotes.

Submission:

Dasa
Classification: Uncertain significance. Last evaluated: 2024-10-04. Review status: criteria provided, single submitter. Criteria: DASA Assertion Criteria. Collection method: clinical testing. Allele origin: germline.
Comment: NM_170606.3(KMT2C):c.13511C>T (p.Pro4504Leu) is a missense variant that results in the substitution of proline with leucine. This variant is rare in population databases. The currently available literature and clinical evidence are not sufficient to establish a definitive association between this variant and the reported condition. Therefore, this variant is classified as a variant of uncertain significance.